The following is an entry in ClinVar:

ClinVar aggregate classification (germline): Uncertain significance (1 of 4 stars; one submission).

Conditions:
Pulmonary fibrosis and/or bone marrow failure, Telomere-related, 3. Also called: PULMONARY FIBROSIS AND/OR BONE MARROW FAILURE SYNDROME, TELOMERE-RELATED, 3. Identifiers: Orphanet 2032, MedGen C4225346, MONDO:0014613, OMIM 616373.
Dyskeratosis congenita, autosomal recessive 5 (DKCB5). Identifiers: MedGen C3554656, MONDO:0014076, OMIM 615190.

Submission:

Labcorp Genetics (formerly Invitae), Labcorp
Classification: Uncertain significance for Dyskeratosis congenita, autosomal recessive 5; Pulmonary fibrosis and/or bone marrow failure, Telomere-related, 3. Last evaluated: 2025-05-19. Review status: criteria provided, single submitter. Criteria: Invitae Variant Classification Sherloc (09022015). Collection method: clinical testing. Allele origin: germline.
Comment: This sequence change replaces alanine, which is neutral and non-polar, with proline, which is neutral and non-polar, at codon 929 of the RTEL1 protein (p.Ala929Pro). Information on the frequency of this variant in the gnomAD database is not available, as this variant may be reported differently in the database. This variant has not been reported in the literature in individuals affected with RTEL1-related conditions. ClinVar contains an entry for this variant (Variation ID: 1953443). Experimental studies and prediction algorithms are not available or were not evaluated, and the functional significance of this variant is currently unknown. In summary, the available evidence is currently insufficient to determine the role of this variant in disease. Therefore, it has been classified as a Variant of Uncertain Significance.

NM_001283009.2(RTEL1):c.2784_2785delinsTC (p.Ala929Pro)

Genes: RTEL1 (regulator of telomere elongation helicase 1; plus strand), RTEL1-TNFRSF6B (RTEL1-TNFRSF6B readthrough (NMD candidate); plus strand). Cytogenetic location: 20q13.33.
Variant type: Indel.
Coding change: c.2784_2785delinsTC on transcript NM_001283009.2 (MANE Select); coding-DNA positions 2784 to 2785, CG replaced by TC.
Protein change: p.Ala929Pro; replaces alanine 929 with proline.
Molecular consequence: missense variant. On other transcripts: non-coding transcript variant (1).
Genome position (GRCh38, 1-based): chr20:63,692,936-63,692,937, CG replaced by TC. VCF-style: chr20-63692936-CG-TC. GRCh37 (hg19) VCF-style: chr20-62324289-CG-TC.
Other names: c.2115_2116delinsTC, p.Ala706Pro (NM_001283010.1); c.2784_2785delinsTC, p.Ala929Pro (NM_016434.4); c.2856_2857delinsTC, p.Ala953Pro (NM_032957.5); short protein forms A929P, A953P, A706P.
Identifiers: ClinVar variation 1953443 (VCV001953443.5), dbSNP rs1601182623, ClinGen allele CA2580098478.
Genomic context (GRCh38, chr20:63,692,936, plus strand): 5'-CCAAGCCAACTTTGCCACCTTCACCCAGGCCCTGCAGGACTACAAGGGTTCCGATGACTT[CG>TC]CCGCCCTGGCCGCCTGTCTCGGCCCCCTCTTTGCTGAGGACCCCAAGAAGCACAACCTGC-3'
Protein context (NP_001269938.1, residues 919-939): LQDYKGSDDF[Ala929Pro]ALAACLGPLF